The following is an entry in ClinVar:

NM_000188.3(HK1):c.2730G>C (p.Arg910=)

Gene: HK1 (hexokinase 1; plus strand). Cytogenetic location: 10q22.1.
Variant type: single nucleotide variant.
Coding change: c.2730G>C on transcript NM_000188.3 (MANE Select); coding-DNA position 2730, G replaced by C.
Protein change: p.Arg910=; no amino-acid change (arginine 910 retained).
Molecular consequence: synonymous variant. On other transcripts: non-coding transcript variant (2).
Genome position (GRCh38, 1-based): chr10:69,401,111, G>C. VCF-style: chr10-69401111-G-C. GRCh37 (hg19) VCF-style: chr10-71160867-G-C.
Other names: c.2742G>C, p.Arg914= (NM_001322364.2, NM_001358263.1, NM_033497.3 and 1 more transcripts); c.2835G>C, p.Arg945= (NM_001322365.2); c.2646G>C, p.Arg882= (NM_001322366.1, NM_001441143.1); c.2634G>C, p.Arg878= (NM_001322367.1); c.2727G>C, p.Arg909= (NM_001441139.1, NM_033496.3); c.2721G>C, p.Arg907= (NM_001441140.1, NM_001441141.1); c.2688G>C, p.Arg896= (NM_001441142.1); c.2610G>C, p.Arg870= (NM_001441144.1, NM_001441145.1); and 9 more.
Identifiers: ClinVar variation 4987314 (VCV004987314.1).

ClinVar aggregate classification (germline): Likely benign (1 of 4 stars; one submission).

Conditions:
HK1-related disorder. Also called: HK1-related condition; HK1-related disorders.

gnomAD v4.1: 5 of 1,614,046 alleles (0.00031%); highest among the groups gnomAD compares: Non-Finnish European, 0.00042%; no homozygotes.

Submission:

PreventionGenetics, part of Exact Sciences
Classification: Likely benign for HK1-related condition. Last evaluated: 2026-09-15. Review status: criteria provided, single submitter. Criteria: ACMG Guidelines, 2015. Collection method: clinical testing. Allele origin: germline.
Comment: This variant is classified as likely benign based on ACMG/AMP sequence variant interpretation guidelines (Richards et al. 2015 PMID: 25741868, with internal and published modifications).